The following is an entry in ClinVar:

NM_145290.4(ADGRA3):c.106G>C (p.Ala36Pro)

Gene: ADGRA3 (adhesion G protein-coupled receptor A3; minus strand). Cytogenetic location: 4p15.2.
Variant type: single nucleotide variant.
Coding change: c.106G>C on transcript NM_145290.4 (MANE Select); coding-DNA position 106, G replaced by C.
Protein change: p.Ala36Pro; replaces alanine 36 with proline.
Molecular consequence: missense variant.
Genome position (GRCh38, 1-based): chr4:22,515,679, C>G on the plus strand (G>C on the coding strand, the complement: ADGRA3 is on the minus strand). VCF-style: chr4-22515679-C-G. GRCh37 (hg19) VCF-style: chr4-22517302-C-G.
Other names: short protein forms A36P.
Identifiers: ClinVar variation 1939686 (VCV001939686.5), dbSNP rs1156517825, ClinGen allele CA356507842.

ClinVar aggregate classification (germline): Uncertain significance (1 of 4 stars; one submission).

Allele frequency attached by ClinVar (database versions not stated): gnomAD 0.00001; gnomAD exomes 0.00001; TOPMed 0.00001.
gnomAD v4.1: 13 of 1,091,552 alleles (0.0012%); highest among the groups gnomAD compares: Non-Finnish European, 0.0014%; no homozygotes.

Submission:

Labcorp Genetics (formerly Invitae), Labcorp
Classification: Uncertain significance. Last evaluated: 2025-01-07. Review status: criteria provided, single submitter. Criteria: Invitae Variant Classification Sherloc (09022015). Collection method: clinical testing. Allele origin: germline.
Comment: This sequence change replaces alanine, which is neutral and non-polar, with proline, which is neutral and non-polar, at codon 36 of the ADGRA3 protein (p.Ala36Pro). This variant is present in population databases (no rsID available, gnomAD 0.007%). This variant has not been reported in the literature in individuals affected with ADGRA3-related conditions. ClinVar contains an entry for this variant (Variation ID: 1939686). Experimental studies and prediction algorithms are not available or were not evaluated, and the functional significance of this variant is currently unknown. In summary, the available evidence is currently insufficient to determine the role of this variant in disease. Therefore, it has been classified as a Variant of Uncertain Significance.